The following is an entry in ClinVar:

NC_000020.10:g.(?_62309488)_(62312082_?)dup

Gene: RTEL1 (regulator of telomere elongation helicase 1; plus strand). Cytogenetic location: 20q13.33.
Variant type: Duplication.
Identifiers: ClinVar variation 1505214 (VCV001505214.8).

ClinVar aggregate classification (germline): Likely pathogenic (1 of 4 stars; one submission).

Conditions:
Dyskeratosis congenita, autosomal recessive 5 (DKCB5). Identifiers: MedGen C3554656, MONDO:0014076, OMIM 615190.
Pulmonary fibrosis and/or bone marrow failure, Telomere-related, 3. Also called: PULMONARY FIBROSIS AND/OR BONE MARROW FAILURE SYNDROME, TELOMERE-RELATED, 3. Identifiers: Orphanet 2032, MedGen C4225346, MONDO:0014613, OMIM 616373.

Submission:

Labcorp Genetics (formerly Invitae), Labcorp
Classification: Likely pathogenic for Dyskeratosis congenita, autosomal recessive 5; Pulmonary fibrosis and/or bone marrow failure, Telomere-related, 3. Last evaluated: 2022-05-18. Review status: criteria provided, single submitter. Criteria: Invitae Variant Classification Sherloc (09022015). Collection method: clinical testing. Allele origin: germline.
Comment: This variant results in a copy number gain of the genomic region encompassing exon(s) 11-14 of the RTEL1 gene. While the exact position of this variant cannot be determined from the data, sub-genic copy number gains are generally in tandem (PMID: 25640679). This variant is predicted to be out-of-frame, and may result in an absent or disrupted protein product. Loss-of-function variants in RTEL1 are known to be pathogenic (PMID: 23453664, 23959892, 25607374). This variant has not been reported in the literature in individuals affected with RTEL1-related conditions. In summary, the currently available evidence indicates that the variant is pathogenic, but additional data are needed to prove that conclusively. Therefore, this variant has been classified as Likely Pathogenic.

Literature cited by the submitters: PubMed 25640679; PubMed 23453664; PubMed 23959892; PubMed 25607374.